The following is an entry in ClinVar:

NM_000051.4(ATM):c.2740A>G (p.Asn914Asp)

Gene: ATM (ATM serine/threonine kinase; plus strand). Cytogenetic location: 11q22.3.
Variant type: single nucleotide variant.
Coding change: c.2740A>G on transcript NM_000051.4 (MANE Select); coding-DNA position 2740, A replaced by G.
Protein change: p.Asn914Asp; replaces asparagine 914 with aspartic acid.
Molecular consequence: missense variant.
Genome position (GRCh38, 1-based): chr11:108,268,511, A>G. VCF-style: chr11-108268511-A-G. GRCh37 (hg19) VCF-style: chr11-108139238-A-G.
Other names: c.2740A>G, p.Asn914Asp (NM_001351834.2); short protein forms N914D.
Identifiers: ClinVar variation 664485 (VCV000664485.10), dbSNP rs1591594250, ClinGen allele CA382545390.

ClinVar aggregate classification (germline): Uncertain significance (1 of 4 stars; one submission).

Conditions:
Ataxia-telangiectasia syndrome (AT). Also called: Ataxia-telangiectasia, complementation group D; AT, COMPLEMENTATION GROUP C; Ataxia telangiectasia (A-T); Cerebello-oculocutaneous telangiectasia; Immunodeficiency with ataxia telangiectasia; ATAXIA-TELANGIECTASIA, COMPLEMENTATION GROUP A. Identifiers: Orphanet 100, MedGen C0004135, MONDO:0008840, OMIM 208900.

Submission:

Labcorp Genetics (formerly Invitae), Labcorp
Classification: Uncertain significance for Ataxia-telangiectasia syndrome. Last evaluated: 2023-11-25. Review status: criteria provided, single submitter. Criteria: Invitae Variant Classification Sherloc (09022015). Collection method: clinical testing. Allele origin: germline.
Comment: This sequence change replaces asparagine, which is neutral and polar, with aspartic acid, which is acidic and polar, at codon 914 of the ATM protein (p.Asn914Asp). This variant is not present in population databases (gnomAD no frequency). This variant has not been reported in the literature in individuals affected with ATM-related conditions. ClinVar contains an entry for this variant (Variation ID: 664485). An algorithm developed to predict the effect of missense changes on protein structure and function (PolyPhen-2) suggests that this variant is likely to be tolerated. In summary, the available evidence is currently insufficient to determine the role of this variant in disease. Therefore, it has been classified as a Variant of Uncertain Significance.